The following is an entry in ClinVar:

ClinVar aggregate classification (germline): Uncertain significance. Review status: criteria provided, multiple submitters, no conflicts (2 of 4 stars). 2 submissions from 2 submitters: Uncertain significance (2). Last evaluated 2025-03-19.

Conditions:
Familial focal epilepsy with variable foci (FPEVF). Identifiers: Orphanet 98820, MedGen C1858477, MONDO:0020310.

Allele frequency attached by ClinVar (database versions not stated): ExAC 0.00001; TOPMed 0.00001.
gnomAD v4.1: 1 of 1,614,086 alleles (0.000062%); highest among the groups gnomAD compares: Admixed American, 0.0017%; no homozygotes.

Submissions (2):

GeneDx
Classification: Uncertain significance. Last evaluated: 2025-03-19. Review status: criteria provided, single submitter. Criteria: GeneDx Variant Classification Process June 2021. Collection method: clinical testing. Allele origin: germline. Affected: yes.
Comment: Not observed at significant frequency in large population cohorts (gnomAD); In silico analysis indicates that this missense variant does not alter protein structure/function; Has not been previously published as pathogenic or benign to our knowledge

Labcorp Genetics (formerly Invitae), Labcorp
Classification: Uncertain significance for Familial focal epilepsy with variable foci. Last evaluated: 2023-12-20. Review status: criteria provided, single submitter. Criteria: Invitae Variant Classification Sherloc (09022015). Collection method: clinical testing. Allele origin: germline.
Comment: This sequence change replaces glutamine, which is neutral and polar, with lysine, which is basic and polar, at codon 1165 of the DEPDC5 protein (p.Gln1165Lys). This variant is present in population databases (rs763453401, gnomAD 0.003%). This variant has not been reported in the literature in individuals affected with DEPDC5-related conditions. Experimental studies and prediction algorithms are not available or were not evaluated, and the functional significance of this variant is currently unknown. In summary, the available evidence is currently insufficient to determine the role of this variant in disease. Therefore, it has been classified as a Variant of Uncertain Significance.

NM_001242896.3(DEPDC5):c.3493C>A (p.Gln1165Lys)

Gene: DEPDC5 (DEP domain containing 5, GATOR1 subcomplex subunit; plus strand). Cytogenetic location: 22q12.3.
Variant type: single nucleotide variant.
Coding change: c.3493C>A on transcript NM_001242896.3 (MANE Select); coding-DNA position 3493, C replaced by A.
Protein change: p.Gln1165Lys; replaces glutamine 1165 with lysine.
Molecular consequence: missense variant. On other transcripts: non-coding transcript variant (4).
Genome position (GRCh38, 1-based): chr22:31,873,262, C>A. VCF-style: chr22-31873262-C-A. GRCh37 (hg19) VCF-style: chr22-32269248-C-A.
Other names: c.3493C>A (NM_001242896.1); c.3466C>A, p.Gln1156Lys (NM_001136029.4); c.3193C>A, p.Gln1065Lys (NM_001242897.2); c.3427C>A, p.Gln1143Lys (NM_001363852.2, NM_001364320.2); c.3259C>A, p.Gln1087Lys (NM_001363854.2, NM_001364319.2); c.3493C>A, p.Gln1165Lys (NM_001364318.2); c.3409C>A, p.Gln1137Lys (NM_001369901.1, NM_001369902.1); c.3400C>A, p.Gln1134Lys (NM_001369903.1, NM_014662.6); short protein forms Q1156K, Q1065K, Q1143K, Q1087K, Q1134K, Q1137K, Q1165K.
Identifiers: ClinVar variation 3011108 (VCV003011108.4), dbSNP rs763453401, ClinGen allele CA10197007.